The following is an entry in ClinVar:

ClinVar aggregate classification (germline): Uncertain significance (1 of 4 stars; one submission).

Conditions:
Inborn genetic diseases. Identifiers: MedGen C0950123, MeSH D030342.

Submission:

Ambry Genetics
Classification: Uncertain significance for Inborn genetic diseases. Last evaluated: 2025-03-06. Review status: criteria provided, single submitter. Criteria: Ambry Variant Classification Scheme 2023. Collection method: clinical testing. Allele origin: germline.
Comment: The p.D927E variant (also known as c.2781C>A), located in coding exon 28 of the RTEL1 gene, results from a C to A substitution at nucleotide position 2781. The aspartic acid at codon 927 is replaced by glutamic acid, an amino acid with highly similar properties. This amino acid position is conserved. In addition, the in silico prediction for this alteration is inconclusive. Based on the available evidence, the clinical significance of this variant remains unclear.

NM_001283009.2(RTEL1):c.2781C>A (p.Asp927Glu)

Genes: RTEL1 (regulator of telomere elongation helicase 1; plus strand), RTEL1-TNFRSF6B (RTEL1-TNFRSF6B readthrough (NMD candidate); plus strand). Cytogenetic location: 20q13.33.
Variant type: single nucleotide variant.
Coding change: c.2781C>A on transcript NM_001283009.2 (MANE Select); coding-DNA position 2781, C replaced by A.
Protein change: p.Asp927Glu; replaces aspartic acid 927 with glutamic acid.
Molecular consequence: missense variant. On other transcripts: non-coding transcript variant (1).
Genome position (GRCh38, 1-based): chr20:63,692,933, C>A. VCF-style: chr20-63692933-C-A. GRCh37 (hg19) VCF-style: chr20-62324286-C-A.
Other names: c.2112C>A, p.Asp704Glu (NM_001283010.1); c.2781C>A, p.Asp927Glu (NM_016434.4); c.2853C>A, p.Asp951Glu (NM_032957.5); short protein forms D927E, D704E, D951E.
Identifiers: ClinVar variation 3791204 (VCV003791204.1).